The following is an entry in ClinVar:

ClinVar aggregate classification (germline): Uncertain significance (1 of 4 stars; one submission).

Submission:

Women's Health and Genetics/Laboratory Corporation of America, LabCorp
Classification: Uncertain significance. Last evaluated: 2022-03-20. Review status: criteria provided, single submitter. Criteria: LabCorp Variant Classification Summary - May 2015. Collection method: clinical testing. Allele origin: germline.
Comment: Variant summary: CEP290 c.2861A>C (p.Asp954Ala) results in a non-conservative amino acid change in the encoded protein sequence. Four of five in-silico tools predict a damaging effect of the variant on protein function. The variant was absent in 217136 control chromosomes. The available data on variant occurrences in the general population are insufficient to allow any conclusion about variant significance. To our knowledge, no occurrence of c.2861A>C in individuals affected with Meckel Syndrome Type 4 and no experimental evidence demonstrating its impact on protein function have been reported. No clinical diagnostic laboratories have submitted clinical-significance assessments for this variant to ClinVar after 2014. Based on the evidence outlined above, the variant was classified as uncertain significance.

NM_025114.4(CEP290):c.2861A>C (p.Asp954Ala)

Gene: CEP290 (centrosomal protein 290; minus strand). Cytogenetic location: 12q21.32.
Variant type: single nucleotide variant.
Coding change: c.2861A>C on transcript NM_025114.4 (MANE Select); coding-DNA position 2861, A replaced by C.
Protein change: p.Asp954Ala; replaces aspartic acid 954 with alanine.
Molecular consequence: missense variant.
Genome position (GRCh38, 1-based): chr12:88,102,968, T>G on the plus strand (A>C on the coding strand, the complement: CEP290 is on the minus strand). VCF-style: chr12-88102968-T-G. GRCh37 (hg19) VCF-style: chr12-88496745-T-G.
Other names: short protein forms D954A.
Identifiers: ClinVar variation 1677161 (VCV001677161.1), dbSNP rs886049882, ClinGen allele CA385969820.